The following is an entry in ClinVar:

NM_000501.4(ELN):c.249C>T (p.Pro83=)

Gene: ELN (elastin; plus strand). Cytogenetic location: 7q11.23.
Variant type: single nucleotide variant.
Coding change: c.249C>T on transcript NM_000501.4 (MANE Select); coding-DNA position 249, C replaced by T.
Protein change: p.Pro83=; no amino-acid change (proline 83 retained).
Molecular consequence: synonymous variant.
Genome position (GRCh38, 1-based): chr7:74,042,630, C>T. VCF-style: chr7-74042630-C-T. GRCh37 (hg19) VCF-style: chr7-73456960-C-T.
Other names: c.219C>T, p.Pro73= (NM_001081752.3, NM_001278914.2, NM_001278917.2 and 1 more transcripts); c.249C>T, p.Pro83= (NM_001081753.3, NM_001081754.3, NM_001081755.3 and 4 more transcripts); c.213C>T, p.Pro71= (NM_001278913.2).
Identifiers: ClinVar variation 453328 (VCV000453328.16), dbSNP rs565001805, ClinGen allele CA4292408.

ClinVar aggregate classification (germline): Benign/Likely benign. Review status: criteria provided, multiple submitters, no conflicts (2 of 4 stars). 7 submissions from 6 submitters: Benign (3); Likely benign (3). 1 of the submissions does not count toward it. Last evaluated 2025-10-01.

Conditions:
ELN-related disorder.
Cutis laxa, autosomal dominant 1 (ADCL1). Also called: ELN-Related Cutis Laxa. Identifiers: Orphanet 90348, MedGen C3276539, MONDO:0007411, OMIM 123700. Disease mechanism: Dominant Negative.
Supravalvar aortic stenosis (SVAS). Also called: Supravalvar aortic stenosis, Eisenberg type. Identifiers: Orphanet 3193, MedGen C0003499, MONDO:0008504, OMIM 185500, HP:0004381.
Williams syndrome (WBS). Also called: CHROMOSOME 7q11.23 DELETION SYNDROME, 1.5- TO 1.8-MB; WILLIAMS-BEUREN SYNDROME. Identifiers: Orphanet 904, MedGen C0175702, MONDO:0008678, OMIM 194050. Disease mechanism: loss of function.

Allele frequency attached by ClinVar (database versions not stated): TOPMed 0.00011; 1000 Genomes Project 30x 0.00016; gnomAD 0.00016; 1000 Genomes Project 0.00020; gnomAD exomes 0.00020; ExAC 0.00022.
gnomAD v4.1: 215 of 1,613,554 alleles (0.013%); highest among the groups gnomAD compares: East Asian, 0.41%; 1 homozygote.

Submissions (7):

Labcorp Genetics (formerly Invitae), Labcorp
Classification: Benign for Supravalvar aortic stenosis. Last evaluated: 2025-10-01. Review status: criteria provided, single submitter. Criteria: Invitae Variant Classification Sherloc (09022015). Collection method: clinical testing. Allele origin: germline.

Blueprint Genetics
Classification: Likely benign. Last evaluated: 2024-10-18. Review status: criteria provided, single submitter. Criteria: ACMG Guidelines, 2015. Collection method: clinical testing. Allele origin: germline.

Fulgent Genetics
Classification: Likely benign for Cutis laxa, autosomal dominant 1; Supravalvar aortic stenosis; Williams syndrome. Last evaluated: 2022-02-25. Review status: criteria provided, single submitter. Criteria: ACMG Guidelines, 2015. Collection method: clinical testing. Allele origin: unknown.

GeneDx
Classification: Likely benign. Last evaluated: 2018-03-09. Review status: criteria provided, single submitter. Criteria: GeneDx Variant Classification (06012015). Collection method: clinical testing. Allele origin: germline. Affected: yes.
Comment: This variant is considered likely benign or benign based on one or more of the following criteria: it is a conservative change, it occurs at a poorly conserved position in the protein, it is predicted to be benign by multiple in silico algorithms, and/or has population frequency not consistent with disease.

Illumina Laboratory Services, Illumina
Classification: Benign for Cutis laxa, autosomal dominant 1. Last evaluated: 2018-01-12. Review status: criteria provided, single submitter. Criteria: ICSL Variant Classification Criteria 13 December 2019. Collection method: clinical testing. Allele origin: germline.
Comment: This variant was observed in the ICSL laboratory as part of a predisposition screen in an ostensibly healthy population. It had not been previously curated by ICSL or reported in the Human Gene Mutation Database (HGMD: prior to June 1st, 2018), and was therefore a candidate for classification through an automated scoring system. Utilizing variant allele frequency, disease prevalence and penetrance estimates, and inheritance mode, an automated score was calculated to assess if this variant is too frequent to cause the disease. Based on the score and internal cut-off values, a variant classified as benign is not then subjected to further curation. The score for this variant resulted in a classification of benign for this disease.

Illumina Laboratory Services, Illumina
Classification: Benign for Supravalvar aortic stenosis. Last evaluated: 2018-01-12. Review status: criteria provided, single submitter. Criteria: ICSL Variant Classification Criteria 13 December 2019. Collection method: clinical testing. Allele origin: germline.
Comment: the same text as in the submission from Illumina Laboratory Services, Illumina above.

PreventionGenetics, part of Exact Sciences
Classification: Likely benign for ELN-related condition. Last evaluated: 2019-04-12. Review status: no assertion criteria provided. Collection method: clinical testing. Allele origin: germline. Not counted in ClinVar's aggregate classification.
Comment: This variant is classified as likely benign based on ACMG/AMP sequence variant interpretation guidelines (Richards et al. 2015 PMID: 25741868, with internal and published modifications).